The following is an entry in ClinVar:

ClinVar aggregate classification (germline): Uncertain significance (1 of 4 stars; one submission).

Conditions:
Tuberous sclerosis 2 (TSC2). Identifiers: Orphanet 805, MedGen C1860707, MONDO:0013199, OMIM 613254.

Submission:

Labcorp Genetics (formerly Invitae), Labcorp
Classification: Uncertain significance for Tuberous sclerosis 2. Last evaluated: 2022-05-18. Review status: criteria provided, single submitter. Criteria: Invitae Variant Classification Sherloc (09022015). Collection method: clinical testing. Allele origin: germline.
Comment: This variant has not been reported in the literature in individuals affected with TSC2-related conditions. This variant is not present in population databases (gnomAD no frequency). This sequence change replaces alanine, which is neutral and non-polar, with threonine, which is neutral and polar, at codon 2 of the TSC2 protein (p.Ala2Thr). In summary, the available evidence is currently insufficient to determine the role of this variant in disease. Therefore, it has been classified as a Variant of Uncertain Significance. Advanced modeling of protein sequence and biophysical properties (such as structural, functional, and spatial information, amino acid conservation, physicochemical variation, residue mobility, and thermodynamic stability) performed at Invitae indicates that this missense variant is not expected to disrupt TSC2 protein function.

NM_000548.5(TSC2):c.4G>A (p.Ala2Thr)

Gene: TSC2 (TSC complex subunit 2; plus strand). Cytogenetic location: 16p13.3.
Variant type: single nucleotide variant.
Coding change: c.4G>A on transcript NM_000548.5 (MANE Select); coding-DNA position 4, G replaced by A.
Protein change: p.Ala2Thr; replaces alanine 2 with threonine.
Molecular consequence: missense variant. On other transcripts: 5 prime UTR variant (1), intron variant (1).
Genome position (GRCh38, 1-based): chr16:2,048,619, G>A. VCF-style: chr16-2048619-G-A. GRCh37 (hg19) VCF-style: chr16-2098620-G-A.
Other names: c.4G>A, p.Ala2Thr (NM_001077183.3, NM_001114382.3, NM_001318827.2 and 13 more transcripts); c.-223G>A (NM_001318831.2, NM_001406682.1, NM_001406684.1 and 2 more transcripts); c.37G>A, p.Ala13Thr (NM_001318832.2); c.-813G>A (NM_001406680.1, NM_001406683.1, NM_001406687.1); c.-442G>A (NM_001406681.1); c.-1428G>A (NM_001406689.1, NM_001406690.1, NM_001406691.1 and 2 more transcripts); c.-1734G>A (NM_001406693.1); c.-1309G>A (NM_001406694.1, NM_001406695.1); and 3 more; short protein forms A2T, A13T.
Identifiers: ClinVar variation 1929319 (VCV001929319.5), dbSNP rs769400464, ClinGen allele CA394300433.